The following is an entry in ClinVar:

ClinVar aggregate classification (germline): Benign/Likely benign. Review status: criteria provided, multiple submitters, no conflicts (2 of 4 stars). 3 submissions from 3 submitters: Benign (1); Likely benign (1). 1 of the submissions does not count toward it. Last evaluated 2026-01-18.

Conditions:
Pseudohypoaldosteronism type 2C (PHA2C). Also called: Pseudohypoaldosteronism Type IIC. Identifiers: Orphanet 757, Orphanet 88940, MedGen C1840391, MONDO:0013778, OMIM 614492.
Neuropathy, hereditary sensory and autonomic, type 2A (HSAN2A). Also called: ACROOSTEOLYSIS, GIACCAI TYPE; ACROOSTEOLYSIS, NEUROGENIC; HSAN IIA; WNK1-Related HSAN2 (HSAN2A); MORVAN DISEASE; NEUROPATHY, CONGENITAL SENSORY. Identifiers: Orphanet 970, MedGen C2752089, MONDO:0024309, OMIM 201300.
WNK1-related disorder. Also called: WNK1-related condition.

Allele frequency attached by ClinVar (database versions not stated): 1000 Genomes Project 0.00100; gnomAD exomes 0.00011 and 0.00034; TOPMed 0.00015; ExAC 0.00035; 1000 Genomes Project 30x 0.00094; gnomAD 0.00008 and 0.00011.
gnomAD v4.1: 171 of 1,614,218 alleles (0.011%); highest among the groups gnomAD compares: East Asian, 0.3%; 1 homozygote.

Submissions (3):

Labcorp Genetics (formerly Invitae), Labcorp
Classification: Benign for Neuropathy, hereditary sensory and autonomic, type 2A; Pseudohypoaldosteronism type 2C. Last evaluated: 2026-01-18. Review status: criteria provided, single submitter. Criteria: Invitae Variant Classification Sherloc (09022015). Collection method: clinical testing. Allele origin: germline.

Fulgent Genetics
Classification: Likely benign for Neuropathy, hereditary sensory and autonomic, type 2A; Pseudohypoaldosteronism type 2C. Last evaluated: 2021-10-26. Review status: criteria provided, single submitter. Criteria: ACMG Guidelines, 2015. Collection method: clinical testing. Allele origin: unknown.

PreventionGenetics, part of Exact Sciences
Classification: Likely benign for WNK1-related condition. Last evaluated: 2019-07-02. Review status: no assertion criteria provided. Collection method: clinical testing. Allele origin: germline. Not counted in ClinVar's aggregate classification.
Comment: This variant is classified as likely benign based on ACMG/AMP sequence variant interpretation guidelines (Richards et al. 2015 PMID: 25741868, with internal and published modifications).

NM_018979.4(WNK1):c.5001C>T (p.Ser1667=)

Gene: WNK1 (WNK lysine deficient protein kinase 1; plus strand). Cytogenetic location: 12p13.33.
Variant type: single nucleotide variant.
Coding change: c.5001C>T on transcript NM_018979.4 (MANE Select); coding-DNA position 5001, C replaced by T.
Protein change: p.Ser1667=; no amino-acid change (serine 1667 retained).
Molecular consequence: synonymous variant.
Genome position (GRCh38, 1-based): chr12:885,805, C>T. VCF-style: chr12-885805-C-T. GRCh37 (hg19) VCF-style: chr12-994971-C-T.
Other names: c.5781C>T, p.Ser1927= (NM_001184985.2); c.4260C>T, p.Ser1420= (NM_014823.3); c.5757C>T, p.Ser1919= (NM_213655.5); c.5001C>T (NM_018979.3).
Identifiers: ClinVar variation 1170192 (VCV001170192.13), dbSNP rs187067527, ClinGen allele CA6383054.